The following is an entry in ClinVar:

ClinVar aggregate classification (germline): Benign/Likely benign. Review status: criteria provided, multiple submitters, no conflicts (2 of 4 stars). 5 submissions from 5 submitters: Benign (2); Likely benign (2). 1 of the submissions does not count toward it. Last evaluated 2026-02-02.

Conditions:
Spermatogenic failure 18. Identifiers: MedGen C4539783, MONDO:0054615, OMIM 617576.
Ciliary dyskinesia, primary, 37 (CILD37). Also called: CILIARY DYSKINESIA, PRIMARY, 37, WITH OR WITHOUT SITUS INVERSUS. Identifiers: MedGen C4539798, MONDO:0033204, OMIM 617577.
DNAH1-related disorder. Also called: DNAH1-related condition.

Allele frequency attached by ClinVar (database versions not stated): gnomAD 0.00188 and 0.00190; ExAC 0.00212; gnomAD exomes 0.00215 and 0.00153; 1000 Genomes Project 30x 0.00078; ESP Exome Variant Server 0.00078; TOPMed 0.00085; 1000 Genomes Project 0.00100.
gnomAD v4.1: 2,518 of 1,613,910 alleles (0.16%); highest among the groups gnomAD compares: Non-Finnish European, 0.13%; 6 homozygotes.

Submissions (5):

Labcorp Genetics (formerly Invitae), Labcorp
Classification: Benign for Ciliary dyskinesia, primary, 37; Spermatogenic failure 18. Last evaluated: 2026-02-02. Review status: criteria provided, single submitter. Criteria: Invitae Variant Classification Sherloc (09022015). Collection method: clinical testing. Allele origin: germline.

CeGaT Center for Human Genetics Tuebingen
Classification: Benign. Last evaluated: 2025-12-01. Review status: criteria provided, single submitter. Criteria: CeGaT Center For Human Genetics Tuebingen Variant Classification Criteria Version 2. Collection method: clinical testing. Allele origin: germline. Affected: yes. Observed: 1 variant allele.
Comment: DNAH1: BS1, BS2

Blueprint Genetics
Classification: Likely benign. Last evaluated: 2024-11-14. Review status: criteria provided, single submitter. Criteria: ACMG Guidelines, 2015. Collection method: clinical testing. Allele origin: germline.

ARUP Laboratories, Molecular Genetics and Genomics, ARUP Laboratories
Classification: Likely benign. Last evaluated: 2022-08-16. Review status: criteria provided, single submitter. Criteria: ARUP Molecular Germline Variant Investigation Process 2021. Collection method: clinical testing. Allele origin: germline.

PreventionGenetics, part of Exact Sciences
Classification: Benign for DNAH1-related condition. Last evaluated: 2021-02-01. Review status: no assertion criteria provided. Collection method: clinical testing. Allele origin: germline. Not counted in ClinVar's aggregate classification.
Comment: This variant is classified as benign based on ACMG/AMP sequence variant interpretation guidelines (Richards et al. 2015 PMID: 25741868, with internal and published modifications).

NM_015512.5(DNAH1):c.5669G>T (p.Gly1890Val)

Gene: DNAH1 (dynein axonemal heavy chain 1; plus strand). Cytogenetic location: 3p21.1.
Variant type: single nucleotide variant.
Coding change: c.5669G>T on transcript NM_015512.5 (MANE Select); coding-DNA position 5669, G replaced by T.
Protein change: p.Gly1890Val; replaces glycine 1890 with valine.
Molecular consequence: missense variant.
Genome position (GRCh38, 1-based): chr3:52,366,791, G>T. VCF-style: chr3-52366791-G-T. GRCh37 (hg19) VCF-style: chr3-52400807-G-T.
Other names: short protein forms G1890V.
Identifiers: ClinVar variation 478462 (VCV000478462.20), dbSNP rs200859252, ClinGen allele CA2434279.